The following is an entry in ClinVar:

NM_001035.3(RYR2):c.4636C>T (p.Gln1546Ter)

Gene: RYR2 (ryanodine receptor 2; plus strand). Cytogenetic location: 1q43.
Variant type: single nucleotide variant.
Coding change: c.4636C>T on transcript NM_001035.3 (MANE Select); coding-DNA position 4636, C replaced by T.
Protein change: p.Gln1546Ter; replaces glutamine 1546 with a stop codon.
Molecular consequence: nonsense.
Genome position (GRCh38, 1-based): chr1:237,602,064, C>T. VCF-style: chr1-237602064-C-T. GRCh37 (hg19) VCF-style: chr1-237765364-C-T.
Other names: short protein forms Q1546*.
Identifiers: ClinVar variation 2428695 (VCV002428695.3), dbSNP rs2546697309, ClinGen allele CA345401605.

ClinVar aggregate classification (germline): Uncertain significance (1 of 4 stars; one submission).

Submission:

ARUP Laboratories, Molecular Genetics and Genomics, ARUP Laboratories
Classification: Uncertain significance. Last evaluated: 2022-04-26. Review status: criteria provided, single submitter. Criteria: ARUP Molecular Germline Variant Investigation Process 2021. Collection method: clinical testing. Allele origin: germline.
Comment: The RYR2 c.4636C>T; p.Gln1546Ter variant, to our knowledge, is not reported in the medical literature or gene specific databases. This variant is also absent from the Genome Aggregation Database, indicating it is not a common polymorphism. This variant induces an early termination codon and is predicted to result in a truncated protein or mRNA subject to nonsense-mediated decay. However, gain of function RYR2 variants are the implicated as the pathogenic mechanism (Kushnir 2018) while there is only a tentative link between loss of function RYR2 variants and disease (Sun 2021). Therefore, due to limited information, the clinical significance of the variant is uncertain at this time. References: Kushnir A et al. Ryanodine receptor dysfunction in human disorders. Biochim Biophys Acta Mol Cell Res. 2018 Nov;1865(11 Pt B):1687-1697. PMID: 30040966. Sun B et al. Cardiac ryanodine receptor calcium release deficiency syndrome. Sci Transl Med. 2021 Feb 3;13(579):eaba7287. PMID: 33536282.